The following continues an entry in ClinVar:

NM_000492.4(CFTR):c.31G>A (p.Val11Ile)

Gene: CFTR. ClinVar aggregate classification (germline): Uncertain significance. Uncertain significance (13).

Submissions 12 to 15 of 15:

Quest Diagnostics Nichols Institute San Juan Capistrano
Classification: Uncertain significance. Last evaluated: 2020-11-17. Review status: criteria provided, single submitter. Criteria: Quest Diagnostics criteria. Collection method: clinical testing. Allele origin: unknown.
Comment: In the published literature, this variant has been reported in individuals with CF (PMID: 15858154 (2005)), CFTR-related disorders (PMIDs: 28801929 (2017), 27171515 (2016)), primary sclerosing cholangitis (PMID: 29807875 (2018)), and asthma (PMIDs: 22664493 (2012), 22324837 (2012), 11354633 (2001)). In addition, this variant has been observed in an asymptomatic individual who also carried the CFTR p.Phe508del pathogenic variant (PMID: 28603918 (2017)). The frequency of this variant in the general population, 0.00031 (40/128740 chromosomes (Genome Aggregation Database)), is uninformative in the assessment of its pathogenicity. Analysis of this variant using bioinformatics tools for the prediction of the effect of amino acid changes on protein structure and function yielded conflicting predictions that this variant is deleterious or benign. Based on the available information, we are unable to determine the clinical significance of this variant.

ARUP Laboratories, Molecular Genetics and Genomics, ARUP Laboratories
Classification: Uncertain significance. Last evaluated: 2018-12-27. Review status: criteria provided, single submitter. Criteria: ARUP Molecular Germline Variant Investigation Process. Collection method: clinical testing. Allele origin: germline.
Comment: The CFTR c.31G>A; p.Val11Ile variant (rs1800072), is reported in the literature in individuals affected with chronic pancreatitis or asthma (Maurya 2012, Palermo 2016, Tzetis 2001). This variant is reported as uncertain significance by multiple laboratories in ClinVar (Variation ID: 495928), and is found in the non-Finnish European population with an allele frequency of 0.031% (40/128,740 alleles) in the Genome Aggregation Database. The valine at codon 11 is weakly conserved, and computational analyses (SIFT, PolyPhen-2) predict that this variant is tolerated. Due to limited information, the clinical significance of the p.Val11Ile variant is uncertain at this time. References: Maurya N et al. Association of CFTR gene mutation with bronchial asthma. Indian J Med Res. 2012 Apr;135(4):469-78. Palermo JJ et al. Genophenotypic Analysis of Pediatric Patients With Acute Recurrent and Chronic Pancreatitis. Pancreas. 2016 Oct;45(9):1347-52. Tzetis M et al. CFTR gene mutations--including three novel nucleotide substitutions--and haplotype background in patients with asthma, disseminated bronchiectasis and chronic obstructive pulmonary disease. Hum Genet. 2001 108(3):216-21.

PreventionGenetics, part of Exact Sciences
Classification: Uncertain significance for CFTR-related condition. Last evaluated: 2024-05-31. Review status: no assertion criteria provided. Collection method: clinical testing. Allele origin: germline. Not counted in ClinVar's aggregate classification.
Comment: The CFTR c.31G>A variant is predicted to result in the amino acid substitution p.Val11Ile. This variant has been reported in individuals with asthma, chronic pancreatitis, cystic fibrosis, primary sclerosing cholangitis, and male infertility (Tzetis et al. 2001. PubMed ID: 11354633; Palermo et al. 2016. PubMed ID: 27171515; Schrijver et al. 2005. PubMed ID: 15858154; Werlin et al. 2018. PubMed ID: 29807875; Table S4, Oud et al. 2017. PubMed ID: 28801929); however, additional details supporting pathogenicity were not provided. The individual with asthma who carried this variant also carried CFTR c.2T>C, which disrupts the start codon (Tzetis et al. 2001. PubMed ID: 11354633). This variant has also been detected in individuals who carry the common pathogenic variant c.1521_1523del (p.Phe508del) and are asymptomatic or considered healthy carriers (Claustres et al. 2017. PubMed ID: 28603918; Supporting Information Data, Skov et al. 2019. PubMed ID: 31682332). This variant is reported in 0.031% of alleles in individuals of European (non-Finnish) descent in gnomAD. At this time, the clinical significance of this variant is uncertain due to the absence of conclusive functional and genetic evidence.

Natera, Inc.
Classification: Uncertain significance for Cystic Fibrosis. Last evaluated: 2017-11-20. Review status: no assertion criteria provided. Collection method: clinical testing. Allele origin: germline. Not counted in ClinVar's aggregate classification.

Literature cited by the submitters: PubMed 11354633 (cited by 6 submitters); PubMed 16049310 (cited by Women's Health and Genetics/Laboratory Corporation of America, LabCorp); PubMed 22664493 (cited by Women's Health and Genetics/Laboratory Corporation of America, LabCorp and Quest Diagnostics Nichols Institute San Juan Capistrano); PubMed 22324837 (cited by Women's Health and Genetics/Laboratory Corporation of America, LabCorp and Quest Diagnostics Nichols Institute San Juan Capistrano); PubMed 25735457 (cited by Women's Health and Genetics/Laboratory Corporation of America, LabCorp and Quest Diagnostics Nichols Institute San Juan Capistrano); PubMed 27171515 (cited by 6 submitters); PubMed 28603918 (cited by 4 submitters); PubMed 28801929 (cited by 3 submitters); PubMed 31682332 (cited by 3 submitters); PubMed 29807875 (cited by 4 submitters); PubMed 34996830 (cited by Women's Health and Genetics/Laboratory Corporation of America, LabCorp); PubMed 35072004 (cited by Women's Health and Genetics/Laboratory Corporation of America, LabCorp); PubMed 38388235 (cited by Women's Health and Genetics/Laboratory Corporation of America, LabCorp and Mayo Clinic Laboratories, Mayo Clinic); PubMed 15858154 (cited by 4 submitters); PubMed 37923102 (cited by Mayo Clinic Laboratories, Mayo Clinic); PubMed 34426522 (cited by Quest Diagnostics Nichols Institute San Juan Capistrano).